The following is an entry in ClinVar:

NM_145893.3(RBFOX1):c.35A>G (p.Tyr12Cys)

Gene: RBFOX1 (RNA binding fox-1 homolog 1; plus strand). Cytogenetic location: 16p13.3.
Variant type: single nucleotide variant.
Coding change: c.35A>G on transcript NM_145893.3 (MANE Plus Clinical); coding-DNA position 35, A replaced by G.
Protein change: p.Tyr12Cys; replaces tyrosine 12 with cysteine.
Molecular consequence: missense variant. On other transcripts: intron variant (5).
Genome position (GRCh38, 1-based): chr16:7,333,036, A>G. VCF-style: chr16-7333036-A-G. GRCh37 (hg19) VCF-style: chr16-7383037-A-G.
Other names: c.35A>G, p.Tyr12Cys (NM_145891.3, NM_145892.3); c.28-185111A>G (NM_001364800.2, NM_018723.4, NM_001142333.2 and 1 more transcripts); c.157-185111A>G (NM_001308117.1); short protein forms Y12C.
Identifiers: ClinVar variation 1721766 (VCV001721766.6), dbSNP rs759616730, ClinGen allele CA394795222.

ClinVar aggregate classification (germline): Uncertain significance (1 of 4 stars; one submission).

Conditions:
Idiopathic generalized epilepsy. Also called: EIG; Generalised epilepsy. Identifiers: MedGen C0270850, MONDO:0005579, OMIM 600669.

Allele frequency attached by ClinVar (database versions not stated): gnomAD 0.00001.
gnomAD v4.1: 8 of 1,613,748 alleles (0.0005%); highest among the groups gnomAD compares: East Asian, 0.016%; no homozygotes.

Submission:

Labcorp Genetics (formerly Invitae), Labcorp
Classification: Uncertain significance for Idiopathic generalized epilepsy. Last evaluated: 2022-07-21. Review status: criteria provided, single submitter. Criteria: Invitae Variant Classification Sherloc (09022015). Collection method: clinical testing. Allele origin: germline.
Comment: This sequence change replaces tyrosine, which is neutral and polar, with cysteine, which is neutral and slightly polar, at codon 12 of the RBFOX1 protein (p.Tyr12Cys). This variant is not present in population databases (gnomAD no frequency). This variant has not been reported in the literature in individuals affected with RBFOX1-related conditions. Algorithms developed to predict the effect of missense changes on protein structure and function are either unavailable or do not agree on the potential impact of this missense change (SIFT: "Tolerated"; PolyPhen-2: "Probably Damaging"; Align-GVGD: "Class C0"). In summary, the available evidence is currently insufficient to determine the role of this variant in disease. Therefore, it has been classified as a Variant of Uncertain Significance.